The following is an entry in ClinVar:

NM_144643.4(SCLT1):c.754C>A (p.Leu252Met)

Gene: SCLT1 (sodium channel and clathrin linker 1; minus strand). Cytogenetic location: 4q28.2.
Variant type: single nucleotide variant.
Coding change: c.754C>A on transcript NM_144643.4 (MANE Select); coding-DNA position 754, C replaced by A.
Protein change: p.Leu252Met; replaces leucine 252 with methionine.
Molecular consequence: missense variant.
Genome position (GRCh38, 1-based): chr4:128,970,401, G>T on the plus strand (C>A on the coding strand, the complement: SCLT1 is on the minus strand). VCF-style: chr4-128970401-G-T. GRCh37 (hg19) VCF-style: chr4-129891556-G-T.
Other names: c.754C>A (NM_144643.3); short protein forms L252M.
Identifiers: ClinVar variation 1500395 (VCV001500395.6), dbSNP rs2126032775, ClinGen allele CA358189259.

ClinVar aggregate classification (germline): Uncertain significance. Review status: criteria provided, multiple submitters, no conflicts (2 of 4 stars). 2 submissions from 2 submitters: Uncertain significance (2). Last evaluated 2024-12-08.

Conditions:
SCLT1-related disorder. Also called: SCLT1-related condition.

Submissions (2):

PreventionGenetics, part of Exact Sciences
Classification: Uncertain significance for SCLT1-related condition. Last evaluated: 2024-12-08. Review status: criteria provided, single submitter. Criteria: ACMG Guidelines, 2015. Collection method: clinical testing. Allele origin: germline.
Comment: The SCLT1 c.754C>A variant is predicted to result in the amino acid substitution p.Leu252Met. To our knowledge, this variant has not been reported in the literature or in a large population database (gnomAD), indicating this variant is rare. At this time, the clinical significance of this variant is uncertain due to the absence of conclusive functional and genetic evidence.

Labcorp Genetics (formerly Invitae), Labcorp
Classification: Uncertain significance. Last evaluated: 2024-04-29. Review status: criteria provided, single submitter. Criteria: Invitae Variant Classification Sherloc (09022015). Collection method: clinical testing. Allele origin: germline.
Comment: This sequence change replaces leucine, which is neutral and non-polar, with methionine, which is neutral and non-polar, at codon 252 of the SCLT1 protein (p.Leu252Met). This variant is not present in population databases (gnomAD no frequency). This variant has not been reported in the literature in individuals affected with SCLT1-related conditions. ClinVar contains an entry for this variant (Variation ID: 1500395). An algorithm developed to predict the effect of missense changes on protein structure and function (PolyPhen-2) suggests that this variant is likely to be disruptive. In summary, the available evidence is currently insufficient to determine the role of this variant in disease. Therefore, it has been classified as a Variant of Uncertain Significance.